The following is an entry in ClinVar:

NM_021076.4(NEFH):c.2414_2415delinsCA (p.Glu805Ala)

Gene: NEFH (neurofilament heavy chain; plus strand). Cytogenetic location: 22q12.2.
Variant type: Indel.
Coding change: c.2414_2415delinsCA on transcript NM_021076.4 (MANE Select); coding-DNA positions 2414 to 2415, AG replaced by CA.
Protein change: p.Glu805Ala; replaces glutamic acid 805 with alanine.
Molecular consequence: missense variant.
Genome position (GRCh38, 1-based): chr22:29,490,054-29,490,055, AG replaced by CA. VCF-style: chr22-29490054-AG-CA. GRCh37 (hg19) VCF-style: chr22-29886043-AG-CA.
Other names: short protein forms E805A.
Identifiers: ClinVar variation 2420685 (VCV002420685.6), dbSNP rs2517978960, ClinGen allele CA2580099498.

ClinVar aggregate classification (germline): Uncertain significance (1 of 4 stars; one submission).

Submission:

Labcorp Genetics (formerly Invitae), Labcorp
Classification: Uncertain significance. Last evaluated: 2024-08-28. Review status: criteria provided, single submitter. Criteria: Invitae Variant Classification Sherloc (09022015). Collection method: clinical testing. Allele origin: germline.
Comment: This sequence change replaces glutamic acid, which is acidic and polar, with alanine, which is neutral and non-polar, at codon 805 of the NEFH protein (p.Glu805Ala). Information on the frequency of this variant in the gnomAD database is not available, as this variant may be reported differently in the database. This variant has not been reported in the literature in individuals affected with NEFH-related conditions. ClinVar contains an entry for this variant (Variation ID: 2420685). Experimental studies and prediction algorithms are not available or were not evaluated, and the functional significance of this variant is currently unknown. In summary, the available evidence is currently insufficient to determine the role of this variant in disease. Therefore, it has been classified as a Variant of Uncertain Significance.